The following is an entry in ClinVar:

NM_022464.5(SIL1):c.930C>T (p.Leu310=)

Gene: SIL1 (SIL1 nucleotide exchange factor; minus strand). Cytogenetic location: 5q31.2.
Variant type: single nucleotide variant.
Coding change: c.930C>T on transcript NM_022464.5 (MANE Select); coding-DNA position 930, C replaced by T.
Protein change: p.Leu310=; no amino-acid change (leucine 310 retained).
Molecular consequence: synonymous variant.
Genome position (GRCh38, 1-based): chr5:138,951,270, G>A on the plus strand (C>T on the coding strand, the complement: SIL1 is on the minus strand). VCF-style: chr5-138951270-G-A. GRCh37 (hg19) VCF-style: chr5-138286959-G-A.
Other names: p.Leu310=; c.930C>T, p.Leu310= (NM_001037633.2).
Identifiers: ClinVar variation 907691 (VCV000907691.10), dbSNP rs147797471, ClinGen allele CA3432440.

ClinVar aggregate classification (germline): Conflicting classifications of pathogenicity. Review status: criteria provided, conflicting classifications (1 of 4 stars). 4 submissions from 4 submitters: Uncertain significance (1); Likely benign (3). Last evaluated 2025-10-30.

Conditions:
Marinesco-Sjögren syndrome (MSS). Also called: Marinesco-SjÃ¶gren syndrome; Marinesco-Sjogren Syndrome. Identifiers: Orphanet 559, MedGen C0024814, MONDO:0009567, OMIM 248800.

Allele frequency attached by ClinVar (database versions not stated): gnomAD exomes 0.00004 and 0.00003; ExAC 0.00005; TOPMed 0.00005; ESP Exome Variant Server 0.00008; gnomAD 0.00003.

Submissions (4):

Mayo Clinic Laboratories, Mayo Clinic
Classification: Likely benign. Last evaluated: 2025-10-30. Review status: criteria provided, single submitter. Criteria: ACMG Guidelines, 2015. Collection method: clinical testing. Allele origin: germline. Observed: 1 variant allele.
Comment: BP4, BP7

Labcorp Genetics (formerly Invitae), Labcorp
Classification: Likely benign for Marinesco-Sjögren syndrome. Last evaluated: 2025-09-22. Review status: criteria provided, single submitter. Criteria: Invitae Variant Classification Sherloc (09022015). Collection method: clinical testing. Allele origin: germline.

Athena Diagnostics
Classification: Likely benign. Last evaluated: 2021-01-20. Review status: criteria provided, single submitter. Criteria: Athena Diagnostics criteria. Collection method: clinical testing. Allele origin: unknown.

Illumina Laboratory Services, Illumina
Classification: Uncertain significance for Marinesco-Sjögren syndrome. Last evaluated: 2018-01-13. Review status: criteria provided, single submitter. Criteria: ICSL Variant Classification Criteria 13 December 2019. Collection method: clinical testing. Allele origin: germline.